The following is an entry in ClinVar:

ClinVar aggregate classification (germline): Uncertain significance (1 of 4 stars; one submission).

Conditions:
KBG syndrome (KBGS). Also called: ANKRD11-Related KBG Syndrome. Identifiers: Orphanet 2332, MedGen C0220687, MONDO:0007846, OMIM 148050.

gnomAD v4.1: 4 of 1,613,414 alleles (0.00025%); highest among the groups gnomAD compares: Admixed American, 0.0067%; no homozygotes.

Submission:

Labcorp Genetics (formerly Invitae), Labcorp
Classification: Uncertain significance for KBG syndrome. Last evaluated: 2024-03-28. Review status: criteria provided, single submitter. Criteria: Invitae Variant Classification Sherloc (09022015). Collection method: clinical testing. Allele origin: germline.
Comment: This sequence change replaces proline, which is neutral and non-polar, with serine, which is neutral and polar, at codon 1947 of the ANKRD11 protein (p.Pro1947Ser). This variant is present in population databases (rs757293729, gnomAD 0.009%). This variant has not been reported in the literature in individuals affected with ANKRD11-related conditions. Advanced modeling of protein sequence and biophysical properties (such as structural, functional, and spatial information, amino acid conservation, physicochemical variation, residue mobility, and thermodynamic stability) performed at Invitae indicates that this missense variant is not expected to disrupt ANKRD11 protein function with a negative predictive value of 95%. In summary, the available evidence is currently insufficient to determine the role of this variant in disease. Therefore, it has been classified as a Variant of Uncertain Significance.

NM_013275.6(ANKRD11):c.5839C>T (p.Pro1947Ser)

Gene: ANKRD11 (ankyrin repeat domain 11; minus strand). Cytogenetic location: 16q24.3.
Variant type: single nucleotide variant.
Coding change: c.5839C>T on transcript NM_013275.6 (MANE Select); coding-DNA position 5839, C replaced by T.
Protein change: p.Pro1947Ser; replaces proline 1947 with serine.
Molecular consequence: missense variant.
Genome position (GRCh38, 1-based): chr16:89,280,703, G>A on the plus strand (C>T on the coding strand, the complement: ANKRD11 is on the minus strand). VCF-style: chr16-89280703-G-A. GRCh37 (hg19) VCF-style: chr16-89347111-G-A.
Other names: c.5839C>T, p.Pro1947Ser (NM_001256182.2, NM_001256183.2); short protein forms P1947S.
Identifiers: ClinVar variation 3667555 (VCV003667555.2).